The following is an entry in ClinVar:

NM_005359.6(SMAD4):c.250-5T>C

Gene: SMAD4 (SMAD family member 4; plus strand). Cytogenetic location: 18q21.2.
Variant type: single nucleotide variant.
Coding change: c.250-5T>C on transcript NM_005359.6 (MANE Select); 5 bases into the intron before coding-DNA position 250, T replaced by C.
Molecular consequence: intron variant.
Genome position (GRCh38, 1-based): chr18:51,048,681, T>C. VCF-style: chr18-51048681-T-C. GRCh37 (hg19) VCF-style: chr18-48575051-T-C.
Identifiers: ClinVar variation 484828 (VCV000484828.18), dbSNP rs1232598459, ClinGen allele CA629586911.

ClinVar aggregate classification (germline): Conflicting classifications of pathogenicity. Review status: criteria provided, conflicting classifications (1 of 4 stars). 3 submissions from 3 submitters: Uncertain significance (1); Likely benign (2). Last evaluated 2025-10-22.

Conditions:
Hereditary cancer-predisposing syndrome. Also called: Hereditary neoplastic syndrome; Tumor predisposition; Neoplastic Syndromes, Hereditary; Hereditary Cancer Syndrome. Identifiers: Orphanet 140162, MedGen C0027672, MeSH D009386, MONDO:0015356.
Familial thoracic aortic aneurysm and aortic dissection (TAAD). Also called: Thoracic aortic aneurysms and dissections. Identifiers: Orphanet 91387, MedGen C4707243, MONDO:0019625.
Juvenile polyposis syndrome (JPS). Identifiers: Orphanet 2929, MedGen C0345893, MONDO:0017380, OMIM 174900.
Juvenile polyposis/hereditary hemorrhagic telangiectasia syndrome (JPHT). Also called: Juvenile Polyposis Syndrome / Hereditary Hemorrhagic Telangiectasia (JPS/HHT); JP/HHT SYNDROME; JUVENILE POLYPOSIS WITH HEREDITARY HEMORRHAGIC TELANGIECTASIA; POLYPOSIS, GENERALIZED JUVENILE, WITH PULMONARY ARTERIOVENOUS MALFORMATION; TELANGIECTASIA, HEREDITARY HEMORRHAGIC, WITH JUVENILE POLYPOSIS COLI. Identifiers: Orphanet 2929, MedGen C1832942, MONDO:0008278, OMIM 175050.

gnomAD v4.1: 3 of 1,614,020 alleles (0.00019%); highest among the groups gnomAD compares: Non-Finnish European, 0.00025%; no homozygotes.

Submissions (3):

Ambry Genetics
Classification: Uncertain significance for Hereditary cancer-predisposing syndrome; Familial thoracic aortic aneurysm and aortic dissection. Last evaluated: 2025-10-22. Review status: criteria provided, single submitter. Criteria: Ambry Variant Classification Scheme 2023. Collection method: clinical testing. Allele origin: germline.
Comment: The c.250-5T>C intronic variant results from a T to C substitution 5 nucleotides upstream from coding exon 2 in the SMAD4 gene. This nucleotide position is poorly conserved in available vertebrate species. In silico splice site analysis predicts that this alteration will not have any significant effect on splicing; however, direct evidence is insufficient at this time (Ambry internal data). Based on the available evidence, the clinical significance of this variant remains unclear.

Labcorp Genetics (formerly Invitae), Labcorp
Classification: Likely benign for Juvenile polyposis syndrome. Last evaluated: 2025-06-30. Review status: criteria provided, single submitter. Criteria: Invitae Variant Classification Sherloc (09022015). Collection method: clinical testing. Allele origin: germline.

Myriad Genetics, Inc.
Classification: Likely benign for Juvenile polyposis/hereditary hemorrhagic telangiectasia syndrome. Last evaluated: 2025-03-18. Review status: criteria provided, single submitter. Criteria: Myriad Autosomal Dominant, Autosomal Recessive and X-Linked Classification Criteria (2023). Collection method: clinical testing. Allele origin: unknown.
Comment: This variant is considered likely benign. This variant is intronic and is not expected to impact mRNA splicing.